The following is an entry in ClinVar:

NM_005172.2(ATOH1):c.573C>T (p.Asn191=)

Gene: ATOH1 (atonal bHLH transcription factor 1; plus strand). Cytogenetic location: 4q22.2.
Variant type: single nucleotide variant.
Coding change: c.573C>T on transcript NM_005172.2 (MANE Select); coding-DNA position 573, C replaced by T.
Protein change: p.Asn191=; no amino-acid change (asparagine 191 retained).
Molecular consequence: synonymous variant.
Genome position (GRCh38, 1-based): chr4:93,829,499, C>T. VCF-style: chr4-93829499-C-T. GRCh37 (hg19) VCF-style: chr4-94750650-C-T.
Identifiers: ClinVar variation 783425 (VCV000783425.5), dbSNP rs34543561, ClinGen allele CA3012776.

ClinVar aggregate classification (germline): Benign. Review status: criteria provided, single submitter (1 of 4 stars). 2 submissions from 2 submitters: Benign (1). 1 of the submissions does not count toward it. Last evaluated 2018-06-27.

Conditions:
ATOH1-related disorder. Also called: ATOH1-related condition.

Allele frequency attached by ClinVar (database versions not stated): gnomAD exomes 0.00052 and 0.00155; ExAC 0.00197; 1000 Genomes Project 0.00579; 1000 Genomes Project 30x 0.00609; gnomAD 0.00610 and 0.00668; TOPMed 0.00665; ESP Exome Variant Server 0.00761.

Submissions (2):

Labcorp Genetics (formerly Invitae), Labcorp
Classification: Benign. Last evaluated: 2018-06-27. Review status: criteria provided, single submitter. Criteria: Invitae Variant Classification Sherloc (09022015). Collection method: clinical testing. Allele origin: germline.

PreventionGenetics, part of Exact Sciences
Classification: Benign for ATOH1-related condition. Last evaluated: 2019-12-09. Review status: no assertion criteria provided. Collection method: clinical testing. Allele origin: germline. Not counted in ClinVar's aggregate classification.
Comment: This variant is classified as benign based on ACMG/AMP sequence variant interpretation guidelines (Richards et al. 2015 PMID: 25741868, with internal and published modifications).